The following is an entry in ClinVar:

NM_001002755.2(NFU1):c.-166T>C

Gene: NFU1 (NFU1 iron-sulfur cluster scaffold; minus strand). Cytogenetic location: 2p13.3.
Variant type: single nucleotide variant.
Coding change: c.-166T>C on transcript NM_001002755.2; 166 bases upstream of the start codon, T replaced by C.
Molecular consequence: 5 prime UTR variant (on NM_001002756.2). On other transcripts: intron variant (1).
Genome position (GRCh38, 1-based): chr2:69,437,588, A>G on the plus strand (T>C on the coding strand, the complement: NFU1 is on the minus strand). VCF-style: chr2-69437588-A-G. GRCh37 (hg19) VCF-style: chr2-69664720-A-G.
Other names: c.-543T>C (NM_001002756.2); c.-11+465T>C (NM_001374284.1).
Identifiers: ClinVar variation 336900 (VCV000336900.9), dbSNP rs73934936, ClinGen allele CA1694385.

ClinVar aggregate classification (germline): Benign. Review status: criteria provided, multiple submitters, no conflicts (2 of 4 stars). 3 submissions from 3 submitters: Benign (3). Last evaluated 2018-07-15.

Conditions:
Multiple mitochondrial dysfunctions syndrome 1 (MMDS1). Identifiers: Orphanet 401869, MedGen C3276432, MONDO:0011582, OMIM 605711.

Allele frequency attached by ClinVar (database versions not stated): TOPMed 0.01912; 1000 Genomes Project 30x 0.01952; gnomAD exomes 0.00339 and 0.00196; gnomAD 0.01661 and 0.01772; ExAC 0.00105; 1000 Genomes Project 0.01737.
gnomAD v4.1: 3,906 of 816,656 alleles (0.48%); highest among the groups gnomAD compares: African/African-American, 5.6%; 122 homozygotes.

Submissions (3):

GeneDx
Classification: Benign. Last evaluated: 2018-07-15. Review status: criteria provided, single submitter. Criteria: GeneDx Variant Classification Process June 2021. Collection method: clinical testing. Allele origin: germline. Affected: yes.

Illumina Laboratory Services, Illumina
Classification: Benign for Multiple mitochondrial dysfunctions syndrome 1. Last evaluated: 2018-01-13. Review status: criteria provided, single submitter. Criteria: ICSL Variant Classification Criteria 13 December 2019. Collection method: clinical testing. Allele origin: germline.
Comment: This variant was observed in the ICSL laboratory as part of a predisposition screen in an ostensibly healthy population. It had not been previously curated by ICSL or reported in the Human Gene Mutation Database (HGMD: prior to June 1st, 2018), and was therefore a candidate for classification through an automated scoring system. Utilizing variant allele frequency, disease prevalence and penetrance estimates, and inheritance mode, an automated score was calculated to assess if this variant is too frequent to cause the disease. Based on the score and internal cut-off values, a variant classified as benign is not then subjected to further curation. The score for this variant resulted in a classification of benign for this disease.

Breakthrough Genomics
Classification: Benign. Review status: criteria provided, single submitter. Criteria: ACMG Guidelines, 2015. Collection method: not provided. Allele origin: germline. Inheritance: Autosomal recessive inheritance. Affected: yes.